The following is an entry in ClinVar:

NM_015099.4(CAMTA2):c.799G>C (p.Ala267Pro)

Gene: CAMTA2 (calmodulin binding transcription activator 2; minus strand). Cytogenetic location: 17p13.2.
Variant type: single nucleotide variant.
Coding change: c.799G>C on transcript NM_015099.4 (MANE Select); coding-DNA position 799, G replaced by C.
Protein change: p.Ala267Pro; replaces alanine 267 with proline.
Molecular consequence: missense variant.
Genome position (GRCh38, 1-based): chr17:4,980,523, C>G on the plus strand (G>C on the coding strand, the complement: CAMTA2 is on the minus strand). VCF-style: chr17-4980523-C-G. GRCh37 (hg19) VCF-style: chr17-4883818-C-G.
Other names: c.805G>C, p.Ala269Pro (NM_001171166.2); c.868G>C, p.Ala290Pro (NM_001171167.2); c.796G>C, p.Ala266Pro (NM_001171168.2); short protein forms A266P, A267P, A269P, A290P.
Identifiers: ClinVar variation 1270598 (VCV001270598.2), dbSNP rs238234, ClinGen allele CA8317822.
Genomic context (GRCh38, chr17:4,980,523, plus strand): 5'-GTGCCTTGGGGAGCTCTGGGGGAAGTGGGGCTATCAGTGGAGGAGGCTCTGGGGGGTGAG[C>G]GTGGGGGATAGAGGTCAGGGTTAAAGCTCGGGGCTCCACTTTGGGAGAGATGATGCGGTG-3'
Protein context (NP_055914.2, residues 257-277): RALTLTSIPH[Ala267Pro]HPPEPPPLIA

ClinVar aggregate classification (germline): Benign. Review status: criteria provided, multiple submitters, no conflicts (2 of 4 stars). 2 submissions from 2 submitters: Benign (2). Last evaluated 2019-01-18.

Allele frequency attached by ClinVar (database versions not stated): 1000 Genomes Project 0.71865; 1000 Genomes Project 30x 0.72986; TOPMed 0.83490; ESP Exome Variant Server 0.84950.
gnomAD v4.1: 1,259,016 of 1,600,024 alleles (79%); highest among the groups gnomAD compares: African/African-American, 94%; 502,365 homozygotes.

Submissions (2):

GeneDx
Classification: Benign. Last evaluated: 2019-01-18. Review status: criteria provided, single submitter. Criteria: GeneDx Variant Classification Process June 2021. Collection method: clinical testing. Allele origin: germline. Affected: yes.
Comment: This variant is associated with the following publications: (PMID: 26886562)

Breakthrough Genomics
Classification: Benign. Review status: criteria provided, single submitter. Criteria: ACMG Guidelines, 2015. Collection method: not provided. Allele origin: germline. Inheritance: Unknown mechanism. Affected: yes.